The following is an entry in ClinVar:

NM_173689.7(CRB2):c.775G>A (p.Glu259Lys)

Gene: CRB2 (crumbs cell polarity complex component 2; plus strand). Cytogenetic location: 9q33.3.
Variant type: single nucleotide variant.
Coding change: c.775G>A on transcript NM_173689.7 (MANE Select); coding-DNA position 775, G replaced by A.
Protein change: p.Glu259Lys; replaces glutamic acid 259 with lysine.
Molecular consequence: missense variant.
Genome position (GRCh38, 1-based): chr9:123,367,192, G>A. VCF-style: chr9-123367192-G-A. GRCh37 (hg19) VCF-style: chr9-126129471-G-A.
Other names: short protein forms E259K.
Identifiers: ClinVar variation 3731134 (VCV003731134.1).

ClinVar aggregate classification (germline): Uncertain significance (1 of 4 stars; one submission).

gnomAD v4.1: 18 of 1,600,170 alleles (0.0011%); highest among the groups gnomAD compares: Admixed American, 0.0017%; no homozygotes.

Submission:

GeneDx
Classification: Uncertain significance. Last evaluated: 2024-08-14. Review status: criteria provided, single submitter. Criteria: GeneDx Variant Classification Process June 2021. Collection method: clinical testing. Allele origin: germline. Affected: yes.
Comment: In silico analysis supports that this missense variant has a deleterious effect on protein structure/function; Has not been previously published as pathogenic or benign to our knowledge